The following is an entry in ClinVar:

NM_001079872.2(CUL4B):c.1428G>A (p.Trp476Ter)

Gene: CUL4B (cullin 4B; minus strand). Cytogenetic location: Xq24.
Variant type: single nucleotide variant.
Coding change: c.1428G>A on transcript NM_001079872.2 (MANE Select); coding-DNA position 1428, G replaced by A.
Protein change: p.Trp476Ter; replaces tryptophan 476 with a stop codon.
Molecular consequence: nonsense.
Genome position (GRCh38, 1-based): chrX:120,541,617, C>T on the plus strand (G>A on the coding strand, the complement: CUL4B is on the minus strand). VCF-style: chrX-120541617-C-T. GRCh37 (hg19) VCF-style: chrX-119675472-C-T.
Other names: c.1443G>A, p.Trp481Ter (NM_001330624.2); c.894G>A, p.Trp298Ter (NM_001369145.1); c.1482G>A, p.Trp494Ter (NM_003588.4); short protein forms W298*, W476*, W481*, W494*.
Identifiers: ClinVar variation 976036 (VCV000976036.1), dbSNP rs1924000101, ClinGen allele CA414197111.

ClinVar aggregate classification (germline): Likely pathogenic (1 of 4 stars; one submission).

Conditions:
X-linked intellectual disability Cabezas type (MRXSC). Also called: CABEZAS SYNDROME; Intellectual developmental disorder, X-linked syndromic, Cabezas type; MENTAL RETARDATION, X-LINKED, SYNDROMIC 15. Identifiers: Orphanet 85289, Orphanet 85293, MedGen C1845861, MONDO:0010306, OMIM 300354.

Submission:

Institute of Human Genetics, University of Leipzig Medical Center
Classification: Likely pathogenic for X-linked intellectual disability Cabezas type. Last evaluated: 2019-03-27. Review status: criteria provided, single submitter. Criteria: ACMG Guidelines, 2015. Collection method: clinical testing. Allele origin: germline. Affected: yes. Observed: 1 variant allele.
Comment: This variant was identified as hemizygous